The following is an entry in ClinVar:

NM_024334.3(TMEM43):c.953C>T (p.Ala318Val)

Gene: TMEM43 (transmembrane protein 43; plus strand). Cytogenetic location: 3p25.1.
Variant type: single nucleotide variant.
Coding change: c.953C>T on transcript NM_024334.3 (MANE Select); coding-DNA position 953, C replaced by T.
Protein change: p.Ala318Val; replaces alanine 318 with valine.
Molecular consequence: missense variant.
Genome position (GRCh38, 1-based): chr3:14,139,250, C>T. VCF-style: chr3-14139250-C-T. GRCh37 (hg19) VCF-style: chr3-14180750-C-T.
Other names: short protein forms A318V.
Identifiers: ClinVar variation 46156 (VCV000046156.39), dbSNP rs11924644, ClinGen allele CA024805.
Genomic context (GRCh38, chr3:14,139,250, plus strand): 5'-ATAGAGAACTAAGGAGCAACTCCATGAAGACCTGGGGCCTGCGGGCAGCTGGCTGGATGG[C>T]CATGTTCATGGGCCTCAACCTTATGACACGGATCCTCTACACCTTGGGTAGGTGTTGGGG-3'
Protein context (NP_077310.1, residues 308-328): TWGLRAAGWM[Ala318Val]MFMGLNLMTR

ClinVar aggregate classification (germline): Benign/Likely benign. Review status: criteria provided, multiple submitters, no conflicts (2 of 4 stars). 17 submissions from 17 submitters: Benign (10); Likely benign (3). 4 of the submissions do not count toward it. Last evaluated 2026-02-03.

Conditions:
Cardiovascular phenotype. Identifiers: MedGen CN230736.
Cardiomyopathy (CMYO). Also called: Cardiomyopathies. Identifiers: Orphanet 167848, MedGen C0878544, MONDO:0004994, HP:0001638. Inheritance: Various modes of inheritance.
Arrhythmogenic right ventricular dysplasia 5. Also called: Arrhythmogenic Right Ventricular Dysplasia/Cardiomyopathy 5; ARRHYTHMOGENIC RIGHT VENTRICULAR DYSPLASIA, FAMILIAL, 5. Identifiers: MedGen C1858379, MONDO:0011459, OMIM 604400.
Sudden cardiac arrest. Identifiers: MedGen C1720824, MONDO:0100511, MONDO:0007264.

Allele frequency attached by ClinVar (database versions not stated): gnomAD exomes 0.00057 and 0.00144; ExAC 0.00185; 1000 Genomes Project 0.00419; 1000 Genomes Project 30x 0.00437; gnomAD 0.00579 and 0.00629; TOPMed 0.00677; ESP Exome Variant Server 0.00800.
gnomAD v4.1: 1,740 of 1,614,174 alleles (0.11%); highest among the groups gnomAD compares: African/African-American, 2.1%; 21 homozygotes.

Submissions (17):

Labcorp Genetics (formerly Invitae), Labcorp
Classification: Benign for Arrhythmogenic right ventricular dysplasia 5. Last evaluated: 2026-02-03. Review status: criteria provided, single submitter. Criteria: Invitae Variant Classification Sherloc (09022015). Collection method: clinical testing. Allele origin: germline.

Mayo Clinic Laboratories, Mayo Clinic
Classification: Benign. Last evaluated: 2025-08-28. Review status: criteria provided, single submitter. Criteria: ACMG Guidelines, 2015. Collection method: clinical testing. Allele origin: germline. Observed: 12 variant alleles.
Comment: BS1, BS2, BP4_moderate

ARUP Laboratories, Molecular Genetics and Genomics, ARUP Laboratories
Classification: Benign. Last evaluated: 2025-04-08. Review status: criteria provided, single submitter. Criteria: ARUP Molecular Germline Variant Investigation Process 2024. Collection method: clinical testing. Allele origin: germline.

Blueprint Genetics
Classification: Likely benign. Last evaluated: 2024-11-22. Review status: criteria provided, single submitter. Criteria: ACMG Guidelines, 2015. Collection method: clinical testing. Allele origin: germline.

Center for Advanced Laboratory Medicine, UC San Diego Health, University of California San Diego
Classification: Benign for Sudden cardiac arrest. Last evaluated: 2019-03-15. Review status: criteria provided, single submitter. Criteria: ACMG Guidelines, 2015. Collection method: clinical testing. Allele origin: germline. Affected: yes. Observed: 1 variant allele.

Color Diagnostics, LLC DBA Color Health
Classification: Benign for Cardiomyopathy. Last evaluated: 2018-03-19. Review status: criteria provided, single submitter. Criteria: ACMG Guidelines, 2015. Collection method: clinical testing. Allele origin: germline.

CHEO Genetics Diagnostic Laboratory, Children's Hospital of Eastern Ontario
Classification: Benign for Cardiomyopathy. Last evaluated: 2016-10-26. Review status: criteria provided, single submitter. Criteria: ACMG Guidelines, 2015. Collection method: clinical testing. Allele origin: germline. Study: Canadian Open Genetics Repository.

Ambry Genetics
Classification: Benign for Cardiovascular phenotype. Last evaluated: 2015-10-20. Review status: criteria provided, single submitter. Criteria: Ambry Variant Classification Scheme 2023. Collection method: clinical testing. Allele origin: germline.

GeneDx
Classification: Benign. Last evaluated: 2015-03-03. Review status: criteria provided, single submitter. Criteria: GeneDx Variant Classification Process June 2021. Collection method: clinical testing. Allele origin: germline. Affected: yes.

Biesecker Lab/Clinical Genomics Section, National Institutes of Health
Classification: Benign. Last evaluated: 2013-06-24. Review status: criteria provided, single submitter. Criteria: Ng et al. (Circ Cardiovasc Genet. 2013). Collection method: research. Allele origin: unknown. Observed: 1 variant allele. Study: ClinSeq.
Comment: The study set was not selected for affection status in relation to any cancer. Pathogenicity categories were based on literature curation. See Pubmed ID:23861362 for details.

Medical sequencing

Laboratory for Molecular Medicine, Mass General Brigham Personalized Medicine
Classification: Benign. Last evaluated: 2012-04-10. Review status: criteria provided, single submitter. Criteria: LMM Criteria. Collection method: clinical testing. Allele origin: germline. Observed: 12 variant alleles.
Comment: 2.1% (n=79 alleles) in AA (ESP)

Breakthrough Genomics
Classification: Likely benign. Review status: criteria provided, single submitter. Criteria: ACMG Guidelines, 2015. Collection method: not provided. Allele origin: germline. Inheritance: Autosomal dominant inheritance. Affected: yes.

Molecular Diagnostic Laboratory for Inherited Cardiovascular Disease, Montreal Heart Institute
Classification: Likely benign. Review status: criteria provided, single submitter. Criteria: ACMG Guidelines, 2015. Collection method: clinical testing. Allele origin: germline. Affected: yes.

Cohesion Phenomics
Classification: Benign for Cardiomyopathy. Last evaluated: 2022-09-23. Review status: no assertion criteria provided. Criteria: ACMG Guidelines, 2015. Collection method: clinical testing. Allele origin: germline. Affected: yes. Not counted in ClinVar's aggregate classification.

Clinical Genetics DNA and cytogenetics Diagnostics Lab, Erasmus MC, Erasmus Medical Center
Classification: Benign. Review status: no assertion criteria provided. Collection method: clinical testing. Allele origin: germline. Affected: yes. Study: VKGL Data-share Consensus. Not counted in ClinVar's aggregate classification.

Clinical Genetics, Academic Medical Center
Classification: Benign. Review status: no assertion criteria provided. Collection method: clinical testing. Allele origin: germline. Affected: yes. Study: VKGL Data-share Consensus. Not counted in ClinVar's aggregate classification.

Joint Genome Diagnostic Labs from Nijmegen and Maastricht, Radboudumc and MUMC+
Classification: Likely benign. Review status: no assertion criteria provided. Collection method: clinical testing. Allele origin: germline. Affected: yes. Study: VKGL Data-share Consensus. Not counted in ClinVar's aggregate classification.